The following is an entry in ClinVar:

NM_000080.4(CHRNE):c.520G>T (p.Glu174Ter)

Genes: C17orf107 (chromosome 17 open reading frame 107; plus strand), CHRNE (cholinergic receptor nicotinic epsilon subunit; minus strand). Cytogenetic location: 17p13.2.
Variant type: single nucleotide variant.
Coding change: c.520G>T on transcript NM_000080.4 (MANE Select); coding-DNA position 520, G replaced by T.
Protein change: p.Glu174Ter; replaces glutamic acid 174 with a stop codon.
Molecular consequence: nonsense. On other transcripts: 3 prime UTR variant (1).
Genome position (GRCh38, 1-based): chr17:4,901,606, C>A on the plus strand (G>T on the coding strand, the complement: CHRNE is on the minus strand). VCF-style: chr17-4901606-C-A. GRCh37 (hg19) VCF-style: chr17-4804901-C-A.
Other names: c.*1073C>A (NM_001145536.2); short protein forms E174*.
Identifiers: ClinVar variation 2137884 (VCV002137884.5), dbSNP rs1597620368, ClinGen allele CA397306004.

ClinVar aggregate classification (germline): Pathogenic. Review status: criteria provided, multiple submitters, no conflicts (2 of 4 stars). 2 submissions from 2 submitters: Pathogenic (2). Last evaluated 2025-05-19.

Conditions:
Congenital myasthenic syndrome 4A. Also called: Myasthenic syndrome, congenital, 4a, slow-channel; CONGENITAL MYASTHENIC SYNDROME TYPE Ia1; MYASTHENIC SYNDROME, CONGENITAL, 4A, SLOW-CHANNEL, AUTOSOMAL RECESSIVE. Identifiers: Orphanet 590, MedGen C4225413, MONDO:0011600, OMIM 605809.
Congenital myasthenic syndrome (CMS). Also called: Congenital Myasthenic Syndromes. Identifiers: Orphanet 590, MedGen C0751882, MeSH D020294, MONDO:0018940.

Submissions (2):

Labcorp Genetics (formerly Invitae), Labcorp
Classification: Pathogenic for Congenital myasthenic syndrome 4A. Last evaluated: 2025-05-19. Review status: criteria provided, single submitter. Criteria: Invitae Variant Classification Sherloc (09022015). Collection method: clinical testing. Allele origin: germline.
Comment: This sequence change creates a premature translational stop signal (p.Glu174*) in the CHRNE gene. It is expected to result in an absent or disrupted protein product. Loss-of-function variants in CHRNE are known to be pathogenic (PMID: 22678886). This variant is not present in population databases (gnomAD no frequency). This variant has not been reported in the literature in individuals affected with CHRNE-related conditions. ClinVar contains an entry for this variant (Variation ID: 2137884). Algorithms developed to predict the effect of sequence changes on RNA splicing suggest that this variant may disrupt the consensus splice site. For these reasons, this variant has been classified as Pathogenic.

Myriad Genetics, Inc.
Classification: Pathogenic for Congenital myasthenic syndrome. Last evaluated: 2025-01-11. Review status: criteria provided, single submitter. Criteria: Myriad Autosomal Dominant, Autosomal Recessive and X-Linked Classification Criteria (2023). Collection method: clinical testing. Allele origin: unknown.
Comment: NM_000080.3(CHRNE):c.520G>T(E174*) is expected to be pathogenic in the context of congenital myasthenic syndrome, CHRNE-related. This variant is predicted to lead to an abnormal or absent protein product due to the creation of a premature termination codon in CHRNE, a gene where loss-of-function variants are known to be pathogenic. Please note: this variant was assessed in the context of healthy population screening.

Literature cited by the submitters: PubMed 22678886 (cited by Labcorp Genetics (formerly Invitae), Labcorp).